The following is an entry in ClinVar:

NM_000531.6(OTC):c.996G>A (p.Trp332Ter)

Gene: OTC (ornithine transcarbamylase; plus strand). Cytogenetic location: Xp11.4.
Variant type: single nucleotide variant.
Coding change: c.996G>A on transcript NM_000531.6 (MANE Select); coding-DNA position 996, G replaced by A.
Protein change: p.Trp332Ter; replaces tryptophan 332 with a stop codon.
Molecular consequence: nonsense.
Genome position (GRCh38, 1-based): chrX:38,411,990, G>A. VCF-style: chrX-38411990-G-A. GRCh37 (hg19) VCF-style: chrX-38271243-G-A.
Other names: short protein forms W332*.
Identifiers: ClinVar variation 97380 (VCV000097380.2), dbSNP rs72558482, ClinGen allele CA224871.

ClinVar aggregate classification (germline): Pathogenic (0 of 4 stars; one submission).

Submission:

GenMed Metabolism Lab
Classification: Pathogenic. Review status: no assertion criteria provided. Collection method: not provided. Allele origin: unknown.
Comment: p.Trp332X, Neonatal
ClinVar note: Converted during submission from pathogenic to Pathogenic.